The following is an entry in ClinVar:

ClinVar aggregate classification (germline): Uncertain significance (1 of 4 stars; one submission).

Conditions:
Short stature-onychodysplasia-facial dysmorphism-hypotrichosis syndrome. Also called: Short stature, onychodysplasia, facial dysmorphism, and hypotrichosis; SOFT SYNDROME. Identifiers: Orphanet 314394, MedGen C3542022, MONDO:0013894, OMIM 614813.

Allele frequency attached by ClinVar (database versions not stated): gnomAD exomes below 0.00001.
gnomAD v4.1: 1 of 1,598,148 alleles (0.000063%); highest among the groups gnomAD compares: Non-Finnish European, 0.000086%; no homozygotes.

Submission:

Baylor Genetics
Classification: Uncertain significance for Short stature-onychodysplasia-facial dysmorphism-hypotrichosis syndrome. Last evaluated: 2019-11-25. Review status: criteria provided, single submitter. Criteria: ACMG Guidelines, 2015. Collection method: clinical testing. Allele origin: unknown. Affected: yes.
Comment: This variant was determined to be of uncertain significance according to ACMG Guidelines, 2015 [PMID:25741868].

NM_015426.5(POC1A):c.972G>A (p.Met324Ile)

Gene: POC1A (POC1 centriolar protein A; minus strand). Cytogenetic location: 3p21.2.
Variant type: single nucleotide variant.
Coding change: c.972G>A on transcript NM_015426.5 (MANE Select); coding-DNA position 972, G replaced by A.
Protein change: p.Met324Ile; replaces methionine 324 with isoleucine.
Molecular consequence: missense variant.
Genome position (GRCh38, 1-based): chr3:52,122,388, C>T on the plus strand (G>A on the coding strand, the complement: POC1A is on the minus strand). VCF-style: chr3-52122388-C-T. GRCh37 (hg19) VCF-style: chr3-52156404-C-T.
Other names: c.972G>A, p.Met324Ile (NM_001161580.2); c.858G>A, p.Met286Ile (NM_001161581.2); short protein forms M324I, M286I.
Identifiers: ClinVar variation 1029400 (VCV001029400.1), dbSNP rs1289690139, ClinGen allele CA353055418.